The following is an entry in ClinVar:

NM_001372076.1(PAX9):c.248T>G (p.Val83Gly)

Gene: PAX9 (paired box 9; plus strand). Cytogenetic location: 14q13.3.
Variant type: single nucleotide variant.
Coding change: c.248T>G on transcript NM_001372076.1 (MANE Select); coding-DNA position 248, T replaced by G.
Protein change: p.Val83Gly; replaces valine 83 with glycine.
Molecular consequence: missense variant.
Genome position (GRCh38, 1-based): chr14:36,663,140, T>G. VCF-style: chr14-36663140-T-G. GRCh37 (hg19) VCF-style: chr14-37132345-T-G.
Other names: c.248T>G, p.Val83Gly (NM_006194.4); short protein forms V83G.
Identifiers: ClinVar variation 1721820 (VCV001721820.5), dbSNP rs2502237487, ClinGen allele CA389466427.

ClinVar aggregate classification (germline): Uncertain significance (1 of 4 stars; one submission).

Conditions:
Hypodontia. Also called: Partial congenital absence of teeth; TOOTH AGENESIS, FAMILIAL; Tooth agenesis, selective. Identifiers: Orphanet 99798, MedGen C0020608, MONDO:0005486, HP:0000668. Disease mechanism: loss of function.

Submission:

Labcorp Genetics (formerly Invitae), Labcorp
Classification: Uncertain significance for Hypodontia. Last evaluated: 2022-10-18. Review status: criteria provided, single submitter. Criteria: Invitae Variant Classification Sherloc (09022015). Collection method: clinical testing. Allele origin: germline.
Comment: This sequence change replaces valine, which is neutral and non-polar, with glycine, which is neutral and non-polar, at codon 83 of the PAX9 protein (p.Val83Gly). This variant is not present in population databases (gnomAD no frequency). This variant has not been reported in the literature in individuals affected with PAX9-related conditions. Advanced modeling of protein sequence and biophysical properties (such as structural, functional, and spatial information, amino acid conservation, physicochemical variation, residue mobility, and thermodynamic stability) performed at Invitae indicates that this missense variant is expected to disrupt PAX9 protein function. In summary, the available evidence is currently insufficient to determine the role of this variant in disease. Therefore, it has been classified as a Variant of Uncertain Significance.